The following is an entry in ClinVar:

NM_001386795.1(DTNA):c.1041C>G (p.Phe347Leu)

Gene: DTNA (dystrobrevin alpha; plus strand). Cytogenetic location: 18q12.1.
Variant type: single nucleotide variant.
Coding change: c.1041C>G on transcript NM_001386795.1 (MANE Select); coding-DNA position 1041, C replaced by G.
Protein change: p.Phe347Leu; replaces phenylalanine 347 with leucine.
Molecular consequence: missense variant. On other transcripts: intron variant (1).
Genome position (GRCh38, 1-based): chr18:34,827,632, C>G. VCF-style: chr18-34827632-C-G. GRCh37 (hg19) VCF-style: chr18-32407596-C-G.
Other names: c.1041C>G, p.Phe347Leu (NM_001128175.2, NM_001198938.2, NM_001198939.2 and 26 more transcripts); c.87C>G, p.Phe29Leu (NM_001198942.1, NM_001198944.1, NM_032980.4 and 1 more transcripts); c.291C>G, p.Phe97Leu (NM_001198943.1); c.1050C>G, p.Phe350Leu (NM_001386761.1, NM_001386762.1, NM_001386775.1 and 5 more transcripts); c.603+15519C>G (NM_001198945.2); short protein forms F347L, F29L, F97L, F350L.
Identifiers: ClinVar variation 4744668 (VCV004744668.1).

ClinVar aggregate classification (germline): Uncertain significance (1 of 4 stars; one submission).

Conditions:
Left ventricular noncompaction 1 (LVNC1). Also called: LEFT VENTRICULAR NONCOMPACTION 1 WITH OR WITHOUT CONGENITAL HEART DEFECTS. Identifiers: Orphanet 54260, MedGen C1858725, MONDO:0011403, OMIM 604169.

gnomAD v4.1: 4 of 1,613,826 alleles (0.00025%); highest among the groups gnomAD compares: African/African-American, 0.0053%; no homozygotes.

Submission:

Labcorp Genetics (formerly Invitae), Labcorp
Classification: Uncertain significance for Left ventricular noncompaction 1. Last evaluated: 2025-07-19. Review status: criteria provided, single submitter. Criteria: Invitae Variant Classification Sherloc (09022015). Collection method: clinical testing. Allele origin: germline.
Comment: This sequence change replaces phenylalanine, which is neutral and non-polar, with leucine, which is neutral and non-polar, at codon 350 of the DTNA protein (p.Phe350Leu). This variant is not present in population databases (gnomAD no frequency). This variant has not been reported in the literature in individuals affected with DTNA-related conditions. Invitae Evidence Modeling of protein sequence and biophysical properties (such as structural, functional, and spatial information, amino acid conservation, physicochemical variation, residue mobility, and thermodynamic stability) indicates that this missense variant is not expected to disrupt DTNA protein function with a negative predictive value of 80%. In summary, the available evidence is currently insufficient to determine the role of this variant in disease. Therefore, it has been classified as a Variant of Uncertain Significance.